The following is an entry in ClinVar:

ClinVar aggregate classification (germline): Uncertain significance (1 of 4 stars; one submission).

Conditions:
EGFR-related lung cancer (EGFR). Identifiers: MedGen CN130014.

Allele frequency attached by ClinVar (database versions not stated): gnomAD exomes 0.00001; ExAC 0.00003.
gnomAD v4.1: 7 of 1,609,556 alleles (0.00043%); highest among the groups gnomAD compares: South Asian, 0.0078%; no homozygotes.

Submission:

Labcorp Genetics (formerly Invitae), Labcorp
Classification: Uncertain significance for EGFR-related lung cancer. Last evaluated: 2025-06-27. Review status: criteria provided, single submitter. Criteria: Invitae Variant Classification Sherloc (09022015). Collection method: clinical testing. Allele origin: germline.
Comment: This sequence change replaces proline, which is neutral and non-polar, with serine, which is neutral and polar, at codon 1059 of the EGFR protein (p.Pro1059Ser). The frequency data for this variant in the population databases is considered unreliable, as metrics indicate poor data quality at this position in the gnomAD database. This variant has not been reported in the literature in individuals affected with EGFR-related conditions. ClinVar contains an entry for this variant (Variation ID: 1928085). An algorithm developed to predict the effect of missense changes on protein structure and function (PolyPhen-2) suggests that this variant is likely to be tolerated. In summary, the available evidence is currently insufficient to determine the role of this variant in disease. Therefore, it has been classified as a Variant of Uncertain Significance.

NM_005228.5(EGFR):c.3175C>T (p.Pro1059Ser)

Gene: EGFR (epidermal growth factor receptor; plus strand). Cytogenetic location: 7p11.2.
Variant type: single nucleotide variant.
Coding change: c.3175C>T on transcript NM_005228.5 (MANE Select); coding-DNA position 3175, C replaced by T.
Protein change: p.Pro1059Ser; replaces proline 1059 with serine.
Molecular consequence: missense variant.
Genome position (GRCh38, 1-based): chr7:55,202,529, C>T. VCF-style: chr7-55202529-C-T. GRCh37 (hg19) VCF-style: chr7-55270222-C-T.
Other names: c.3040C>T, p.Pro1014Ser (NM_001346897.2, NM_001346899.2); c.3175C>T, p.Pro1059Ser (NM_001346898.2); c.3016C>T, p.Pro1006Ser (NM_001346900.2); c.2374C>T, p.Pro792Ser (NM_001346941.2); short protein forms P1006S, P792S, P1059S, P1014S.
Identifiers: ClinVar variation 1928085 (VCV001928085.5), dbSNP rs755238987, ClinGen allele CA4266314.